The following is an entry in ClinVar:

NM_001372051.1(CASP8):c.202C>T (p.Arg68Ter)

Gene: CASP8 (caspase 8; plus strand). Cytogenetic location: 2q33.1.
Variant type: single nucleotide variant.
Coding change: c.202C>T on transcript NM_001372051.1 (MANE Select); coding-DNA position 202, C replaced by T.
Protein change: p.Arg68Ter; replaces arginine 68 with a stop codon.
Molecular consequence: nonsense. On other transcripts: 5 prime UTR variant (9), non-coding transcript variant (22), intron variant (3).
Genome position (GRCh38, 1-based): chr2:201,266,688, C>T. VCF-style: chr2-201266688-C-T. GRCh37 (hg19) VCF-style: chr2-202131411-C-T.
Other names: c.202C>T, p.Arg68Ter (NM_001080124.2, NM_001228.5, NM_001400645.1 and 21 more transcripts); c.379C>T, p.Arg127Ter (NM_001080125.2, NM_001400642.1, NM_001400665.1); c.-331C>T (NM_001400671.1, NM_001400673.1, NM_001400676.1 and 4 more transcripts); c.-512C>T (NM_001400674.1); c.-410C>T (NM_001400680.1); c.-4-4828C>T (NM_001400669.1); c.-227-4828C>T (NM_001400672.1, NM_001400675.1); short protein forms R127*, R68*.
Identifiers: ClinVar variation 946113 (VCV000946113.8), dbSNP rs777784105, ClinGen allele CA2053462.
Genomic context (GRCh38, chr2:201,266,688, plus strand): 5'-CTCCAGGAAAAGAGAATGTTGGAGGAAAGCAATCTGTCCTTCCTGAAGGAGCTGCTCTTC[C>T]GAATTAATAGACTGGATTTGCTGATTACCTACCTAAACACTAGAAAGGAGGAGATGGAAA-3'

ClinVar aggregate classification (germline): Pathogenic (1 of 4 stars; one submission).

Conditions:
Autoimmune lymphoproliferative syndrome type 2B. Also called: AUTOIMMUNE LYMPHOPROLIFERATIVE SYNDROME, TYPE IIB. Identifiers: Orphanet 275517, MedGen C1846545, MONDO:0011804, OMIM 607271.

Allele frequency attached by ClinVar (database versions not stated): gnomAD exomes below 0.00001; TOPMed below 0.00001; ExAC 0.00001.

Submission:

Labcorp Genetics (formerly Invitae), Labcorp
Classification: Pathogenic for Autoimmune lymphoproliferative syndrome type 2B. Last evaluated: 2022-07-29. Review status: criteria provided, single submitter. Criteria: Invitae Variant Classification Sherloc (09022015). Collection method: clinical testing. Allele origin: germline.
Comment: For these reasons, this variant has been classified as Pathogenic. ClinVar contains an entry for this variant (Variation ID: 946113). This variant has not been reported in the literature in individuals affected with CASP8-related conditions. This sequence change creates a premature translational stop signal (p.Arg68*) in the CASP8 gene. It is expected to result in an absent or disrupted protein product. Loss-of-function variants in CASP8 are known to be pathogenic (PMID: 12353035, 25814141). This variant is present in population databases (rs777784105, gnomAD 0.002%).

Literature cited by the submitters: PubMed 12353035; PubMed 25814141.